The following is an entry in ClinVar:

NM_005654.6(NR2F1):c.121C>T (p.Gln41Ter)

Genes: NR2F1 (nuclear receptor subfamily 2 group F member 1; plus strand), NR2F1-AS1 (NR2F1 regulatory antisense RNA 1; minus strand). Cytogenetic location: 5q15.
Variant type: single nucleotide variant.
Coding change: c.121C>T on transcript NM_005654.6 (MANE Select); coding-DNA position 121, C replaced by T.
Protein change: p.Gln41Ter; replaces glutamine 41 with a stop codon.
Molecular consequence: nonsense.
Genome position (GRCh38, 1-based): chr5:93,585,144, C>T. VCF-style: chr5-93585144-C-T. GRCh37 (hg19) VCF-style: chr5-92920850-C-T.
Other names: short protein forms Q41*.
Identifiers: ClinVar variation 2123487 (VCV002123487.4), dbSNP rs2480801540, ClinGen allele CA360525569.

ClinVar aggregate classification (germline): Pathogenic (1 of 4 stars; one submission).

Submission:

Labcorp Genetics (formerly Invitae), Labcorp
Classification: Pathogenic. Last evaluated: 2022-04-09. Review status: criteria provided, single submitter. Criteria: Invitae Variant Classification Sherloc (09022015). Collection method: clinical testing. Allele origin: germline.
Comment: For these reasons, this variant has been classified as Pathogenic. This variant has not been reported in the literature in individuals affected with NR2F1-related conditions. The frequency data for this variant in the population databases is considered unreliable, as metrics indicate insufficient coverage at this position in the gnomAD database. This sequence change creates a premature translational stop signal (p.Gln41*) in the NR2F1 gene. It is expected to result in an absent or disrupted protein product. Loss-of-function variants in NR2F1 are known to be pathogenic (PMID: 14738874, 24462372).

Literature cited by the submitters: PubMed 14738874; PubMed 24462372.